The following is an entry in ClinVar:

NM_001457.4(FLNB):c.2516T>G (p.Val839Gly)

Genes: FLNB (filamin B; plus strand), LOC129936935 (ATAC-STARR-seq lymphoblastoid active region 19999; plus strand). Cytogenetic location: 3p14.3.
Variant type: single nucleotide variant.
Coding change: c.2516T>G on transcript NM_001457.4 (MANE Select); coding-DNA position 2516, T replaced by G.
Protein change: p.Val839Gly; replaces valine 839 with glycine.
Molecular consequence: missense variant.
Genome position (GRCh38, 1-based): chr3:58,111,822, T>G. VCF-style: chr3-58111822-T-G. GRCh37 (hg19) VCF-style: chr3-58097549-T-G.
Other names: c.2516T>G, p.Val839Gly (NM_001164317.2, NM_001164318.2, NM_001164319.2); short protein forms V839G.
Identifiers: ClinVar variation 899450 (VCV000899450.9), dbSNP rs765267560, ClinGen allele CA353345594.

ClinVar aggregate classification (germline): Conflicting classifications of pathogenicity. Review status: criteria provided, conflicting classifications (1 of 4 stars). 3 submissions from 3 submitters: Uncertain significance (2); Likely benign (1). Last evaluated 2025-10-23.

Conditions:
FLNB-Related Spectrum Disorders.

gnomAD v4.1: 38 of 1,614,148 alleles (0.0024%); highest among the groups gnomAD compares: Non-Finnish European, 0.0031%; no homozygotes.

Submissions (3):

Labcorp Genetics (formerly Invitae), Labcorp
Classification: Uncertain significance. Last evaluated: 2025-10-23. Review status: criteria provided, single submitter. Criteria: Invitae Variant Classification Sherloc (09022015). Collection method: clinical testing. Allele origin: germline.
Comment: This sequence change replaces valine, which is neutral and non-polar, with glycine, which is neutral and non-polar, at codon 839 of the FLNB protein (p.Val839Gly). This variant is present in population databases (no rsID available, gnomAD 0.004%). This variant has not been reported in the literature in individuals affected with FLNB-related conditions. ClinVar contains an entry for this variant (Variation ID: 899450). Invitae Evidence Modeling of protein sequence and biophysical properties (such as structural, functional, and spatial information, amino acid conservation, physicochemical variation, residue mobility, and thermodynamic stability) has been performed for this missense variant. However, the output from this modeling did not meet the statistical confidence thresholds required to predict the impact of this variant on FLNB protein function. This variant disrupts the p.Val839 amino acid residue in FLNB. Other variant(s) that disrupt this residue have been determined to be pathogenic (PMID: 28229453). This suggests that this residue is clinically significant, and that variants that disrupt this residue are likely to be disease-causing. In summary, the available evidence is currently insufficient to determine the role of this variant in disease. Therefore, it has been classified as a Variant of Uncertain Significance.

Blueprint Genetics
Classification: Likely benign. Last evaluated: 2019-09-30. Review status: criteria provided, single submitter. Criteria: ACMG Guidelines, 2015. Collection method: clinical testing. Allele origin: germline.

Illumina Laboratory Services, Illumina
Classification: Uncertain significance for FLNB-Related Spectrum Disorders. Last evaluated: 2018-01-13. Review status: criteria provided, single submitter. Criteria: ICSL Variant Classification Criteria 13 December 2019. Collection method: clinical testing. Allele origin: germline.

Literature cited by the submitters: PubMed 28229453 (cited by Labcorp Genetics (formerly Invitae), Labcorp).